The following is an entry in ClinVar:

NM_001848.3(COL6A1):c.3034C>T (p.Leu1012=)

Gene: COL6A1 (collagen type VI alpha 1 chain; plus strand). Cytogenetic location: 21q22.3.
Variant type: single nucleotide variant.
Coding change: c.3034C>T on transcript NM_001848.3 (MANE Select); coding-DNA position 3034, C replaced by T.
Protein change: p.Leu1012=; no amino-acid change (leucine 1012 retained).
Molecular consequence: synonymous variant.
Genome position (GRCh38, 1-based): chr21:46,003,960, C>T. VCF-style: chr21-46003960-C-T. GRCh37 (hg19) VCF-style: chr21-47423874-C-T.
Identifiers: ClinVar variation 476435 (VCV000476435.13), dbSNP rs150509473, ClinGen allele CA10071112.

ClinVar aggregate classification (germline): Likely benign. Review status: criteria provided, multiple submitters, no conflicts (2 of 4 stars). 2 submissions from 2 submitters: Likely benign (2). Last evaluated 2025-12-22.

Conditions:
Bethlem myopathy 1A. Also called: Bethlem Muscular Dystrophy; MYOPATHY, BENIGN CONGENITAL, WITH CONTRACTURES; Bethlem myopathy 1. Identifiers: Orphanet 610, MedGen CN029274, MONDO:0024530, OMIM 158810.

Allele frequency attached by ClinVar (database versions not stated): gnomAD exomes 0.00001 and 0.00002; ExAC 0.00004; ESP Exome Variant Server 0.00008; 1000 Genomes Project 30x 0.00016; gnomAD 0.00016 and 0.00017; TOPMed 0.00018; 1000 Genomes Project 0.00020.
gnomAD v4.1: 44 of 1,612,920 alleles (0.0027%); highest among the groups gnomAD compares: African/African-American, 0.056%; no homozygotes.

Submissions (2):

Labcorp Genetics (formerly Invitae), Labcorp
Classification: Likely benign for Bethlem myopathy 1A. Last evaluated: 2025-12-22. Review status: criteria provided, single submitter. Criteria: Invitae Variant Classification Sherloc (09022015). Collection method: clinical testing. Allele origin: germline.

GeneDx
Classification: Likely benign. Last evaluated: 2018-05-30. Review status: criteria provided, single submitter. Criteria: GeneDx Variant Classification (06012015). Collection method: clinical testing. Allele origin: germline. Affected: yes.
Comment: This variant is considered likely benign or benign based on one or more of the following criteria: it is a conservative change, it occurs at a poorly conserved position in the protein, it is predicted to be benign by multiple in silico algorithms, and/or has population frequency not consistent with disease.